The following is an entry in ClinVar:

NM_052947.4(ALPK2):c.635C>A (p.Ala212Glu)

Gene: ALPK2 (alpha kinase 2; minus strand). Cytogenetic location: 18q21.31.
Variant type: single nucleotide variant.
Coding change: c.635C>A on transcript NM_052947.4 (MANE Select); coding-DNA position 635, C replaced by A.
Protein change: p.Ala212Glu; replaces alanine 212 with glutamic acid.
Molecular consequence: missense variant.
Genome position (GRCh38, 1-based): chr18:58,580,141, G>T on the plus strand (C>A on the coding strand, the complement: ALPK2 is on the minus strand). VCF-style: chr18-58580141-G-T. GRCh37 (hg19) VCF-style: chr18-56247373-G-T.
Other names: short protein forms A212E.
Identifiers: ClinVar variation 1753039 (VCV001753039.2), dbSNP rs2518900011, ClinGen allele CA402567549.
Genomic context (GRCh38, chr18:58,580,141, plus strand): 5'-TGGCAACATCTGTCTTGTTTTTCATAAATATGACTTGAATTAAGAAAAAGCAACCCATTT[G>T]CAATTTCTTCTGTGTTACTTGGATCATAAGCCTCTCCAGTGTGCCTTGTTCCTTTAACAC-3'
Protein context (NP_443179.3, residues 202-222): AYDPSNTEEI[Ala212Glu]NGLLFLNSSH

ClinVar aggregate classification (germline): Uncertain significance (1 of 4 stars; one submission).

Allele frequency attached by ClinVar (database versions not stated): gnomAD exomes below 0.00001.
gnomAD v4.1: 1 of 1,614,194 alleles (0.000062%); highest among the groups gnomAD compares: South Asian, 0.0011%; no homozygotes.

Submission:

Ambry Genetics
Classification: Uncertain significance. Last evaluated: 2023-11-16. Review status: criteria provided, single submitter. Criteria: Ambry Variant Classification Scheme 2023. Collection method: clinical testing. Allele origin: germline.
Comment: The p.A212E variant (also known as c.635C>A), located in coding exon 3 of the ALPK2 gene, results from a C to A substitution at nucleotide position 635. The alanine at codon 212 is replaced by glutamic acid, an amino acid with dissimilar properties. This amino acid position is conserved. In addition, this alteration is predicted to be tolerated by in silico analysis. Since supporting evidence is limited at this time, the clinical significance of this alteration remains unclear.